The following is an entry in ClinVar:

ClinVar aggregate classification (germline): Likely pathogenic. Review status: criteria provided, multiple submitters, no conflicts (2 of 4 stars). 3 submissions from 3 submitters: Likely pathogenic (3). Last evaluated 2026-07-01.

Conditions:
Myopathy, myofibrillar, 9, with early respiratory failure (MFM9). Also called: Myopathy, distal, with early respiratory failure, autosomal dominant; Hereditary myopathy with early respiratory failure; EDSTROM MYOPATHY; MYOPATHY, PROXIMAL, WITH EARLY RESPIRATORY MUSCLE INVOLVEMENT. Identifiers: Orphanet 178464, Orphanet 34521, MedGen C1863599, MONDO:0011362, OMIM 603689.
Early-onset myopathy with fatal cardiomyopathy (CMYO5). Also called: CONGENITAL MYOPATHY 5 WITH CARDIOMYOPATHY; Salih Myopathy. Identifiers: Orphanet 289377, MedGen C2673677, MONDO:0012714, OMIM 611705. Disease mechanism: loss of function.
Dilated cardiomyopathy 1G (CMD1G). Identifiers: Orphanet 154, MedGen C1858763, MONDO:0011400, OMIM 604145.
Autosomal recessive limb-girdle muscular dystrophy type 2J (LGMDR10). Also called: MUSCULAR DYSTROPHY, LIMB-GIRDLE, AUTOSOMAL RECESSIVE 10; Limb-girdle muscular dystrophy, type 2J. Identifiers: Orphanet 140922, MedGen C1837342, MONDO:0012127, OMIM 608807.
Tibial muscular dystrophy (TMD). Also called: UDD MYOPATHY; Udd Distal Myopathy – Tibial Muscular Dystrophy; Tibial muscular dystrophy, tardive. Identifiers: Orphanet 609, MedGen C1838244, MONDO:0010870, OMIM 600334.
Hypertrophic cardiomyopathy 9. Also called: Familial hypertrophic cardiomyopathy 9. Identifiers: MedGen C1861065, MONDO:0013412, OMIM 613765.

Submissions (3):

CeGaT Center for Human Genetics Tuebingen
Classification: Likely pathogenic. Last evaluated: 2026-07-01. Review status: criteria provided, single submitter. Criteria: CeGaT Center For Human Genetics Tuebingen Variant Classification Criteria Version 2. Collection method: clinical testing. Allele origin: germline. Affected: yes. Observed: 1 variant allele.
Comment: TTN: PVS1:Strong, PM2

Labcorp Genetics (formerly Invitae), Labcorp
Classification: Likely pathogenic for Dilated cardiomyopathy 1G; Autosomal recessive limb-girdle muscular dystrophy type 2J. Last evaluated: 2024-07-22. Review status: criteria provided, single submitter. Criteria: Invitae Variant Classification Sherloc (09022015). Collection method: clinical testing. Allele origin: germline.
Comment: This sequence change creates a premature translational stop signal (p.Trp31755*) in the TTN gene. While this is not anticipated to result in nonsense mediated decay, it is expected to create a truncated TTN protein. This variant is not present in population databases (gnomAD no frequency). This variant has not been reported in the literature in individuals affected with TTN-related conditions. This variant is located in the A band of TTN (PMID: 25589632). Truncating variants in this region are significantly overrepresented in patients affected with dilated cardiomyopathy (PMID: 25589632). Truncating variants in this region have also been reported in individuals affected with autosomal recessive centronuclear myopathy (PMID: 23975875). In summary, the currently available evidence indicates that the variant is pathogenic, but additional data are needed to prove that conclusively. Therefore, this variant has been classified as Likely Pathogenic.

Juno Genomics, Hangzhou Juno Genomics, Inc
Classification: Likely pathogenic for Tibial muscular dystrophy; Early-onset myopathy with fatal cardiomyopathy; Dilated cardiomyopathy 1G; Hypertrophic cardiomyopathy 9; Autosomal recessive limb-girdle muscular dystrophy type 2J; Myopathy, myofibrillar, 9, with early respiratory failure. Review status: criteria provided, single submitter. Criteria: ACMG Guidelines, 2015. Collection method: clinical testing. Allele origin: germline.
Comment: Null variant in a gene where loss of function (LOF) is a known mechanism of disease.;Absent from controls (or at extremely low frequency if recessive) in Genome Aggregation Database.

Literature cited by the submitters: PubMed 25589632 (cited by Labcorp Genetics (formerly Invitae), Labcorp); PubMed 23975875 (cited by Labcorp Genetics (formerly Invitae), Labcorp).

NM_001267550.2(TTN):c.95265G>A (p.Trp31755Ter)

Genes: TTN (titin; minus strand), TTN-AS1 (TTN antisense RNA 1; plus strand). Cytogenetic location: 2q31.2.
Variant type: single nucleotide variant.
Coding change: c.95265G>A on transcript NM_001267550.2 (MANE Select); coding-DNA position 95265, G replaced by A.
Protein change: p.Trp31755Ter; replaces tryptophan 31755 with a stop codon.
Molecular consequence: nonsense.
Genome position (GRCh38, 1-based): chr2:178,545,971, C>T on the plus strand (G>A on the coding strand, the complement: TTN is on the minus strand). VCF-style: chr2-178545971-C-T. GRCh37 (hg19) VCF-style: chr2-179410698-C-T.
Other names: c.90342G>A, p.Trp30114Ter (NM_001256850.1); c.68070G>A, p.Trp22690Ter (NM_003319.4); c.87561G>A, p.Trp29187Ter (NM_133378.4); c.68445G>A, p.Trp22815Ter (NM_133432.3); c.68646G>A, p.Trp22882Ter (NM_133437.4); short protein forms W22690*, W22815*, W22882*, W29187*, W30114*, W31755*.
Identifiers: ClinVar variation 3755377 (VCV003755377.4).
Genomic context (GRCh38, chr2:178,545,971, plus strand): 5'-GTTCTTGATGAGCCTGGTAACGACATAGGATAGGGTTGGGCATTCGCCTTCAACAATCAC[C>T]CAGTTGAGCCTGCTAGTCTCGCGTCTTTCCACGATGTAGTGAGTGATTTCTGCTCCTCCG-3'